The following is an entry in ClinVar:

ClinVar aggregate classification (germline): Uncertain significance (1 of 4 stars; one submission).

Conditions:
Autosomal recessive limb-girdle muscular dystrophy type 2J (LGMDR10). Also called: Limb-girdle muscular dystrophy, type 2J; MUSCULAR DYSTROPHY, LIMB-GIRDLE, AUTOSOMAL RECESSIVE 10. Identifiers: Orphanet 140922, MedGen C1837342, MONDO:0012127, OMIM 608807.
Dilated cardiomyopathy 1G (CMD1G). Identifiers: Orphanet 154, MedGen C1858763, MONDO:0011400, OMIM 604145.

Submission:

Labcorp Genetics (formerly Invitae), Labcorp
Classification: Uncertain significance for Dilated cardiomyopathy 1G; Autosomal recessive limb-girdle muscular dystrophy type 2J. Last evaluated: 2022-08-05. Review status: criteria provided, single submitter. Criteria: Invitae Variant Classification Sherloc (09022015). Collection method: clinical testing. Allele origin: germline.
Comment: In summary, the available evidence is currently insufficient to determine the role of this variant in disease. Therefore, it has been classified as a Variant of Uncertain Significance. This variant is located in the M band of TTN (PMID: 25589632). Variants in this region may be relevant for neuromuscular disorders, but have not been definitively shown to cause cardiomyopathy (PMID: 23975875). Experimental studies and prediction algorithms are not available or were not evaluated, and the functional significance of this variant is currently unknown. This variant has not been reported in the literature in individuals affected with TTN-related conditions. This variant is not present in population databases (gnomAD no frequency). This sequence change replaces arginine, which is basic and polar, with glycine, which is neutral and non-polar, at codon 34805 of the TTN protein (p.Arg34805Gly).

Literature cited by the submitters: PubMed 25589632; PubMed 23975875.

NM_001267550.2(TTN):c.104413C>G (p.Arg34805Gly)

Genes: TTN (titin; minus strand), TTN-AS1 (TTN antisense RNA 1; plus strand). Cytogenetic location: 2q31.2.
Variant type: single nucleotide variant.
Coding change: c.104413C>G on transcript NM_001267550.2 (MANE Select); coding-DNA position 104413, C replaced by G.
Protein change: p.Arg34805Gly; replaces arginine 34805 with glycine.
Molecular consequence: missense variant.
Genome position (GRCh38, 1-based): chr2:178,532,202, G>C on the plus strand (C>G on the coding strand, the complement: TTN is on the minus strand). VCF-style: chr2-178532202-G-C. GRCh37 (hg19) VCF-style: chr2-179396929-G-C.
Other names: c.99490C>G, p.Arg33164Gly (NM_001256850.1); c.77218C>G, p.Arg25740Gly (NM_003319.4); c.96709C>G, p.Arg32237Gly (NM_133378.4); c.77593C>G, p.Arg25865Gly (NM_133432.3); c.77794C>G, p.Arg25932Gly (NM_133437.4); short protein forms R32237G, R33164G, R25865G, R25740G, R25932G, R34805G.
Identifiers: ClinVar variation 2021831 (VCV002021831.4), dbSNP rs750519430, ClinGen allele CA349411785.